The following is an entry in ClinVar:

NM_004260.4(RECQL4):c.3161_3209del (p.Phe1054fs)

Gene: RECQL4 (RecQ like helicase 4; minus strand). Cytogenetic location: 8q24.3.
Variant type: Deletion.
Coding change: c.3161_3209del on transcript NM_004260.4 (MANE Select); coding-DNA positions 3161 to 3209, 49 bases deleted.
Protein change: p.Phe1054fs; shifts the reading frame from phenylalanine 1054.
Molecular consequence: frameshift variant. On other transcripts: non-coding transcript variant (3).
Genome position (GRCh38, 1-based): chr8:144,512,171-144,512,219, 49 bases deleted; deleting any 49 consecutive bases within chr8:144,512,171-144,512,221 gives the same sequence; the c. name uses the placement nearest the transcript's 3' end. GRCh37 (hg19): chr8:145,737,556-145,737,604.
Other names: c.2867_2915del, p.Phe956fs (NM_001413017.1); c.2963_3011del, p.Phe988fs (NM_001413018.1); c.3236_3284del, p.Phe1079fs (NM_001413019.1); c.3065_3113del, p.Phe1022fs (NM_001413020.1); c.2090_2138del, p.Phe697fs (NM_001413021.1, NM_001413022.1, NM_001413024.1 and 4 more transcripts); c.2165_2213del, p.Phe722fs (NM_001413023.1); c.3032_3080del, p.Phe1011fs (NM_001413025.1); c.2024_2072del, p.Phe675fs (NM_001413027.1, NM_001413030.1, NM_001413032.1); and 9 more; short protein forms F1010fs, F565fs, F631fs, F700fs, F988fs, F1054fs, F722fs, F956fs.
Identifiers: ClinVar variation 2731656 (VCV002731656.3), dbSNP rs2537977434, ClinGen allele CA2697550235.

ClinVar aggregate classification (germline): Pathogenic (1 of 4 stars; one submission).

Conditions:
Baller-Gerold syndrome (BGS). Also called: CRANIOSYNOSTOSIS WITH RADIAL DEFECTS. Identifiers: Orphanet 1225, MedGen C0265308, MONDO:0009039, OMIM 218600.

Submission:

Labcorp Genetics (formerly Invitae), Labcorp
Classification: Pathogenic for Baller-Gerold syndrome. Last evaluated: 2023-06-28. Review status: criteria provided, single submitter. Criteria: Invitae Variant Classification Sherloc (09022015). Collection method: clinical testing. Allele origin: germline.
Comment: For these reasons, this variant has been classified as Pathogenic. Algorithms developed to predict the effect of sequence changes on RNA splicing suggest that this variant may disrupt the consensus splice site. This variant has not been reported in the literature in individuals affected with RECQL4-related conditions. This variant is not present in population databases (gnomAD no frequency). This sequence change creates a premature translational stop signal (p.Phe1054Cysfs*11) in the RECQL4 gene. It is expected to result in an absent or disrupted protein product. Loss-of-function variants in RECQL4 are known to be pathogenic (PMID: 12734318, 12952869).

Literature cited by the submitters: PubMed 12734318; PubMed 12952869.